The following is an entry in ClinVar:

NM_006206.6(PDGFRA):c.2759_2762dup (p.Thr922fs)

Gene: PDGFRA (platelet derived growth factor receptor alpha; plus strand). Cytogenetic location: 4q12.
Variant type: Duplication.
Coding change: c.2759_2762dup on transcript NM_006206.6 (MANE Select); coding-DNA positions 2759 to 2762, 4 bases duplicated (ACGC; older notation c.2759_2762dupACGC).
Protein change: p.Thr922fs; shifts the reading frame from threonine 922.
Molecular consequence: frameshift variant.
Genome position (GRCh38, 1-based): chr4:54,288,883-54,288,886, ACGC duplicated; duplicating any 4 consecutive bases within chr4:54,288,882-54,288,886 gives the same sequence; the c. name uses the placement nearest the transcript's 3' end. VCF-style (leftmost placement, unchanged base first): chr4-54288881-C-CCACG. GRCh37 (hg19) VCF-style: chr4-55155048-C-CCACG.
Other names: c.2759_2762dupACGC (NM_006206.4); c.2834_2837dup, p.Thr947fs (NM_001347828.2); c.2759_2762dup, p.Thr922fs (NM_001347829.2); c.2798_2801dup, p.Thr935fs (NM_001347830.2); short protein forms T922fs, T947fs, T935fs.
Identifiers: ClinVar variation 4827556 (VCV004827556.1).

ClinVar aggregate classification (germline): Uncertain significance (1 of 4 stars; one submission).

Conditions:
Hereditary cancer-predisposing syndrome. Also called: Neoplastic Syndromes, Hereditary; Tumor predisposition; Hereditary Cancer Syndrome; Hereditary neoplastic syndrome. Identifiers: Orphanet 140162, MedGen C0027672, MeSH D009386, MONDO:0015356.

Submission:

Ambry Genetics
Classification: Uncertain significance for Hereditary cancer-predisposing syndrome. Last evaluated: 2026-03-09. Review status: criteria provided, single submitter. Criteria: Ambry Variant Classification Scheme 2023. Collection method: clinical testing. Allele origin: germline.
Comment: The c.2759_2762dupACGC variant, located in coding exon 19 of the PDGFRA gene, results from a duplication of ACGC at nucleotide position 2759, causing a translational frameshift with a predicted alternate stop codon (p.T922Rfs*4). This variant is expected to result in protein truncation or nonsense-mediated mRNA decay. However, loss of function has not been established as a mechanism of disease. Based on the available evidence, the clinical significance of this variant remains unclear.